The following is an entry in ClinVar:

NM_002474.3(MYH11):c.3964G>C (p.Glu1322Gln)

Genes: NDE1 (nudE neurodevelopment protein 1; plus strand), MYH11 (myosin heavy chain 11; minus strand). Cytogenetic location: 16p13.11.
Variant type: single nucleotide variant.
Coding change: c.3964G>C on transcript NM_002474.3 (MANE Select); coding-DNA position 3964, G replaced by C.
Protein change: p.Glu1322Gln; replaces glutamic acid 1322 with glutamine.
Molecular consequence: missense variant. On other transcripts: 3 prime UTR variant (2).
Genome position (GRCh38, 1-based): chr16:15,724,799, C>G on the plus strand (G>C on the coding strand, the complement: MYH11 is on the minus strand). VCF-style: chr16-15724799-C-G. GRCh37 (hg19) VCF-style: chr16-15818656-C-G.
Other names: c.3985G>C, p.Glu1329Gln (NM_001040113.2, NM_001040114.2); c.3964G>C, p.Glu1322Gln (NM_022844.3); c.*548C>G (NM_001143979.2, NM_017668.3); short protein forms E1322Q, E1329Q.
Identifiers: ClinVar variation 4726902 (VCV004726902.1).

ClinVar aggregate classification (germline): Uncertain significance (1 of 4 stars; one submission).

Conditions:
Aortic aneurysm, familial thoracic 4 (AAT4). Also called: AORTIC ANEURYSM/AORTIC DISSECTION AND PATENT DUCTUS ARTERIOSUS. Identifiers: MedGen C1851504, MONDO:0007568, OMIM 132900.

Submission:

Labcorp Genetics (formerly Invitae), Labcorp
Classification: Uncertain significance for Aortic aneurysm, familial thoracic 4. Last evaluated: 2025-09-10. Review status: criteria provided, single submitter. Criteria: Invitae Variant Classification Sherloc (09022015). Collection method: clinical testing. Allele origin: germline.
Comment: This sequence change replaces glutamic acid, which is acidic and polar, with glutamine, which is neutral and polar, at codon 1329 of the MYH11 protein (p.Glu1329Gln). This variant is not present in population databases (gnomAD no frequency). This variant has not been reported in the literature in individuals affected with MYH11-related conditions. An algorithm developed to predict the effect of missense changes on protein structure and function (PolyPhen-2) suggests that this variant is likely to be disruptive. Algorithms developed to predict the effect of sequence changes on RNA splicing suggest that this variant may create or strengthen a splice site. In summary, the available evidence is currently insufficient to determine the role of this variant in disease. Therefore, it has been classified as a Variant of Uncertain Significance.